The following is an entry in ClinVar:

NM_014991.6(WDFY3):c.3599T>A (p.Met1200Lys)

Gene: WDFY3 (WD repeat and FYVE domain containing 3; minus strand). Cytogenetic location: 4q21.23.
Variant type: single nucleotide variant.
Coding change: c.3599T>A on transcript NM_014991.6 (MANE Select); coding-DNA position 3599, T replaced by A.
Protein change: p.Met1200Lys; replaces methionine 1200 with lysine.
Molecular consequence: missense variant.
Genome position (GRCh38, 1-based): chr4:84,789,796, A>T on the plus strand (T>A on the coding strand, the complement: WDFY3 is on the minus strand). VCF-style: chr4-84789796-A-T. GRCh37 (hg19) VCF-style: chr4-85710949-A-T.
Other names: short protein forms M1200K.
Identifiers: ClinVar variation 4531946 (VCV004531946.1).
Genomic context (GRCh38, chr4:84,789,796, plus strand): 5'-TTAACAAGCTGTCCATCAATATAAAGGGCTGCAGTACTGTTTTTCAACATGCCTTTGCTC[A>T]TTACCAGGACCAAATGATGCCACTGTCCCTCAATGATAAGCTCTCCACATCGAAAGCGAG-3'
Protein context (NP_055806.2, residues 1190-1210): EGQWHHLVLV[Met1200Lys]SKGMLKNSTA

ClinVar aggregate classification (germline): Uncertain significance (1 of 4 stars; one submission).

Conditions:
Neurodevelopmental disorder. Identifiers: MedGen C1535926, MeSH D065886, MONDO:0700092.

Submission:

Victorian Clinical Genetics Services, Murdoch Childrens Research Institute
Classification: Uncertain significance for Neurodevelopmental disorder. Last evaluated: 2025-06-13. Review status: criteria provided, single submitter. Criteria: ACMG Guidelines, 2015. Collection method: clinical testing. Allele origin: germline. Affected: yes.
Comment: This variant is classified as VUS-3B. Evidence in support of pathogenic classification: Variant is absent from gnomAD (v2, v3 and v4). Additional information: Variant is predicted to result in a missense amino acid change from methionine to lysine; This variant is heterozygous; This gene is associated with autosomal dominant disease; Alternative amino acid change(s) at the same position are present in gnomAD (Highest allele count: v2: 2 heterozygote(s), 0 homozygote(s)); This variant has no previous evidence of pathogenicity; No published segregation evidence has been identified for this variant; No published functional evidence has been identified for this variant; No comparable missense variants have previous evidence for pathogenicity; Variant is not located in an established domain, motif, hotspot or informative constraint region; Missense variant with inconclusive in silico prediction and uninformative conservation; Loss of function is a known mechanism of disease in this gene and is associated with neurodevelopmental disorder (MONDO:0700092), WDFY3-related. A macrocephaly phenotype is known to be caused by loss of function variants, while microcephaly 18, primary (MIM#617520) is likely due to gain of function and increased wnt signalling (PMID: 31327001, 27008544); Inheritance information for this variant is not currently available in this individual.

Literature cited by the submitters: PubMed 31327001; PubMed 27008544.